The following is an entry in ClinVar:

NM_000321.3(RB1):c.2053C>A (p.Gln685Lys)

Gene: RB1 (RB transcriptional corepressor 1; plus strand). Cytogenetic location: 13q14.2.
Variant type: single nucleotide variant.
Coding change: c.2053C>A on transcript NM_000321.3 (MANE Select); coding-DNA position 2053, C replaced by A.
Protein change: p.Gln685Lys; replaces glutamine 685 with lysine.
Molecular consequence: missense variant.
Genome position (GRCh38, 1-based): chr13:48,459,780, C>A. VCF-style: chr13-48459780-C-A. GRCh37 (hg19) VCF-style: chr13-49033916-C-A.
Other names: c.2053C>A, p.Gln685Lys (NM_001407165.1); short protein forms Q685K.
Identifiers: ClinVar variation 4863030 (VCV004863030.1).
Genomic context (GRCh38, chr13:48,459,780, plus strand): 5'-CTTTGTGAACGCCTTCTGTCTGAGCACCCAGAATTAGAACATATCATCTGGACCCTTTTC[C>A]AGCACACCCTGCAGAATGAGTATGAACTCATGAGAGACAGGCATTTGGACCAAGTAAGAA-3'
Protein context (NP_000312.2, residues 675-695): ELEHIIWTLF[Gln685Lys]HTLQNEYELM

ClinVar aggregate classification (germline): Uncertain significance (1 of 4 stars; one submission).

Conditions:
Hereditary cancer-predisposing syndrome. Also called: Neoplastic Syndromes, Hereditary; Tumor predisposition; Hereditary Cancer Syndrome; Hereditary neoplastic syndrome. Identifiers: Orphanet 140162, MedGen C0027672, MeSH D009386, MONDO:0015356.

Submission:

Ambry Genetics
Classification: Uncertain significance for Hereditary cancer-predisposing syndrome. Last evaluated: 2026-05-14. Review status: criteria provided, single submitter. Criteria: Ambry Variant Classification Scheme 2023. Collection method: clinical testing. Allele origin: germline.
Comment: The p.Q685K variant (also known as c.2053C>A), located in coding exon 20 of the RB1 gene, results from a C to A substitution at nucleotide position 2053. The glutamine at codon 685 is replaced by lysine, an amino acid with similar properties. This amino acid position is conserved. In addition, this alteration is predicted to be deleterious by in silico analysis. Based on the available evidence, the clinical significance of this variant remains unclear.